The following is an entry in ClinVar:

NM_000548.5(TSC2):c.5005G>A (p.Val1669Ile)

Gene: TSC2 (TSC complex subunit 2; plus strand). Cytogenetic location: 16p13.3.
Variant type: single nucleotide variant.
Coding change: c.5005G>A on transcript NM_000548.5 (MANE Select); coding-DNA position 5005, G replaced by A.
Protein change: p.Val1669Ile; replaces valine 1669 with isoleucine.
Molecular consequence: missense variant.
Genome position (GRCh38, 1-based): chr16:2,087,878, G>A. VCF-style: chr16-2087878-G-A. GRCh37 (hg19) VCF-style: chr16-2137879-G-A.
Other names: c.5005G>A (NM_000548.3); c.4696G>A, p.Val1566Ile (NM_001318827.2); c.4660G>A, p.Val1554Ile (NM_001318829.2); c.4273G>A, p.Val1425Ile (NM_001318831.2); c.4837G>A, p.Val1613Ile (NM_001318832.2); c.4807G>A, p.Val1603Ile (NM_001363528.2); c.4873G>A, p.Val1625Ile (NM_001370404.1); c.4876G>A, p.Val1626Ile (NM_001370405.1, NM_021055.3); and 2 more; short protein forms V1554I, V1566I, V1602I, V1425I, V1625I, V1626I, V1646I, V1603I.
Identifiers: ClinVar variation 1043091 (VCV001043091.6), dbSNP rs2091047035, ClinGen allele CA394311074.

ClinVar aggregate classification (germline): Uncertain significance. Review status: criteria provided, multiple submitters, no conflicts (2 of 4 stars). 3 submissions from 3 submitters: Uncertain significance (3). Last evaluated 2023-06-26.

Conditions:
Tuberous sclerosis 2 (TSC2). Identifiers: Orphanet 805, MedGen C1860707, MONDO:0013199, OMIM 613254.
Tuberous sclerosis syndrome (TSC). Also called: Tuberous Sclerosis Complex; Tuberous sclerosis. Identifiers: Orphanet 805, MedGen C0041341, MONDO:0001734.

Submissions (3):

All of Us Research Program, National Institutes of Health
Classification: Uncertain significance for Tuberous sclerosis syndrome. Last evaluated: 2023-06-26. Review status: criteria provided, single submitter. Criteria: ACMG Guidelines, 2015. Collection method: clinical testing. Allele origin: germline. Inheritance: Autosomal dominant inheritance. Observed: 1 variant allele, 1 heterozygote.
Comment: This missense variant replaces valine with isoleucine at codon 1669 of the TSC2 protein. Computational prediction suggests that this variant may have deleterious impact on protein structure and function (internally defined REVEL score threshold >= 0.7, PMID: 27666373). To our knowledge, functional studies have not been reported for this variant. This variant has not been reported in individuals affected with TSC2-related disorders in the literature. This variant has not been identified in the general population by the Genome Aggregation Database (gnomAD). The available evidence is insufficient to determine the role of this variant in disease conclusively. Therefore, this variant is classified as a Variant of Uncertain Significance.

This study involves interpretation of variants in research participants for the purpose of population health screening. Participant phenotype was not available at the time of variant classification. Additional details can be found in publication PMID: 35346344, PMCID: PMC8962531

GeneDx
Classification: Uncertain significance. Last evaluated: 2023-06-15. Review status: criteria provided, single submitter. Criteria: GeneDx Variant Classification Process June 2021. Collection method: clinical testing. Allele origin: germline. Affected: yes.
Comment: Not observed at significant frequency in large population cohorts (gnomAD); In silico analysis supports that this missense variant does not alter protein structure/function; Has not been previously published as pathogenic or benign to our knowledge; This variant is associated with the following publications: (PMID: 18466115)

Labcorp Genetics (formerly Invitae), Labcorp
Classification: Uncertain significance for Tuberous sclerosis 2. Last evaluated: 2021-08-24. Review status: criteria provided, single submitter. Criteria: Invitae Variant Classification Sherloc (09022015). Collection method: clinical testing. Allele origin: germline.